The following is an entry in ClinVar:

ClinVar aggregate classification (germline): Uncertain significance (1 of 4 stars; one submission).

Conditions:
Peroxisome biogenesis disorder, complementation group 7 (CG7). Also called: Peroxisome biogenesis disorder, complementation group B. Identifiers: MedGen C1864399.

gnomAD v4.1: 1 of 1,613,464 alleles (0.000062%); highest among the groups gnomAD compares: Non-Finnish European, 0.000085%; no homozygotes.

Submission:

Labcorp Genetics (formerly Invitae), Labcorp
Classification: Uncertain significance for Peroxisome biogenesis disorder, complementation group 7. Last evaluated: 2025-12-01. Review status: criteria provided, single submitter. Criteria: Invitae Variant Classification Sherloc (09022015). Collection method: clinical testing. Allele origin: germline.
Comment: This sequence change replaces proline, which is neutral and non-polar, with serine, which is neutral and polar, at codon 291 of the PEX10 protein (p.Pro291Ser). This variant is not present in population databases (gnomAD no frequency). This variant has not been reported in the literature in individuals affected with PEX10-related conditions. ClinVar contains an entry for this variant (Variation ID: 1498649). An algorithm developed to predict the effect of missense changes on protein structure and function outputs the following: PolyPhen-2: "Benign". The serine amino acid residue is found in multiple mammalian species, which suggests that this missense change does not adversely affect protein function. In summary, the available evidence is currently insufficient to determine the role of this variant in disease. Therefore, it has been classified as a Variant of Uncertain Significance.

NM_002617.4(PEX10):c.811C>T (p.Pro271Ser)

Gene: PEX10 (peroxisomal biogenesis factor 10; minus strand). Cytogenetic location: 1p36.32.
Variant type: single nucleotide variant.
Coding change: c.811C>T on transcript NM_002617.4 (MANE Select); coding-DNA position 811, C replaced by T.
Protein change: p.Pro271Ser; replaces proline 271 with serine.
Molecular consequence: missense variant. On other transcripts: non-coding transcript variant (1).
Genome position (GRCh38, 1-based): chr1:2,406,585, G>A on the plus strand (C>T on the coding strand, the complement: PEX10 is on the minus strand). VCF-style: chr1-2406585-G-A. GRCh37 (hg19) VCF-style: chr1-2338024-G-A.
Other names: c.868C>T, p.Pro290Ser (NM_001374425.1); c.436C>T, p.Pro146Ser (NM_001374426.1); c.379C>T, p.Pro127Ser (NM_001374427.1); c.871C>T, p.Pro291Ser (NM_153818.2); short protein forms P146S, P291S, P290S, P127S, P271S.
Identifiers: ClinVar variation 1498649 (VCV001498649.8), dbSNP rs886043542, ClinGen allele CA337984608.